The following is an entry in ClinVar:

NM_032620.4(GTPBP3):c.959G>A (p.Arg320Gln)

Gene: GTPBP3 (GTP binding protein 3, mitochondrial; plus strand). Cytogenetic location: 19p13.11.
Variant type: single nucleotide variant.
Coding change: c.959G>A on transcript NM_032620.4 (MANE Select); coding-DNA position 959, G replaced by A.
Protein change: p.Arg320Gln; replaces arginine 320 with glutamine.
Molecular consequence: missense variant.
Genome position (GRCh38, 1-based): chr19:17,339,584, G>A. VCF-style: chr19-17339584-G-A. GRCh37 (hg19) VCF-style: chr19-17450393-G-A.
Other names: c.959G>A, p.Arg320Gln (NM_001128855.3); c.1025G>A, p.Arg342Gln (NM_001195422.1); c.1055G>A, p.Arg352Gln (NM_133644.4); c.1055G>A (NM_133644.3); short protein forms R342Q, R352Q, R320Q.
Identifiers: ClinVar variation 1381483 (VCV001381483.6), dbSNP rs368046570, ClinGen allele CA9293580.

ClinVar aggregate classification (germline): Uncertain significance. Review status: criteria provided, multiple submitters, no conflicts (2 of 4 stars). 2 submissions from 2 submitters: Uncertain significance (2). Last evaluated 2024-11-27.

Conditions:
Inborn genetic diseases. Identifiers: MedGen C0950123, MeSH D030342.

Allele frequency attached by ClinVar (database versions not stated): gnomAD exomes 0.00004 and 0.00009; gnomAD 0.00005 and 0.00006; TOPMed 0.00007; ExAC 0.00010; ESP Exome Variant Server 0.00023.
gnomAD v4.1: 69 of 1,606,914 alleles (0.0043%); highest among the groups gnomAD compares: South Asian, 0.022%; no homozygotes.

Submissions (2):

Ambry Genetics
Classification: Uncertain significance for Inborn genetic diseases. Last evaluated: 2024-11-27. Review status: criteria provided, single submitter. Criteria: Ambry Variant Classification Scheme 2023. Collection method: clinical testing. Allele origin: germline.

Labcorp Genetics (formerly Invitae), Labcorp
Classification: Uncertain significance. Last evaluated: 2022-09-01. Review status: criteria provided, single submitter. Criteria: Invitae Variant Classification Sherloc (09022015). Collection method: clinical testing. Allele origin: germline.
Comment: This sequence change replaces arginine, which is basic and polar, with glutamine, which is neutral and polar, at codon 352 of the GTPBP3 protein (p.Arg352Gln). This variant is present in population databases (rs368046570, gnomAD 0.04%). This variant has not been reported in the literature in individuals affected with GTPBP3-related conditions. ClinVar contains an entry for this variant (Variation ID: 1381483). Algorithms developed to predict the effect of missense changes on protein structure and function are either unavailable or do not agree on the potential impact of this missense change (SIFT: "Tolerated"; PolyPhen-2: "Probably Damaging"; Align-GVGD: "Class C0"). In summary, the available evidence is currently insufficient to determine the role of this variant in disease. Therefore, it has been classified as a Variant of Uncertain Significance.